The following is an entry in ClinVar:

NM_182914.3(SYNE2):c.7243A>G (p.Met2415Val)

Gene: SYNE2 (spectrin repeat containing nuclear envelope protein 2; plus strand). Cytogenetic location: 14q23.2.
Variant type: single nucleotide variant.
Coding change: c.7243A>G on transcript NM_182914.3 (MANE Select); coding-DNA position 7243, A replaced by G.
Protein change: p.Met2415Val; replaces methionine 2415 with valine.
Molecular consequence: missense variant.
Genome position (GRCh38, 1-based): chr14:64,048,021, A>G. VCF-style: chr14-64048021-A-G. GRCh37 (hg19) VCF-style: chr14-64514739-A-G.
Other names: c.7243A>G, p.Met2415Val (NM_015180.6); short protein forms M2415V.
Identifiers: ClinVar variation 3172718 (VCV003172718.2), dbSNP rs1423203229, ClinGen allele CA389957461.

ClinVar aggregate classification (germline): Uncertain significance. Review status: criteria provided, multiple submitters, no conflicts (2 of 4 stars). 2 submissions from 2 submitters: Uncertain significance (2). Last evaluated 2023-12-27.

Conditions:
Emery-Dreifuss muscular dystrophy 5, autosomal dominant (EDMD5). Also called: EMERY-DREIFUSS MUSCULAR DYSTROPHY 5. Identifiers: Orphanet 261, MedGen C2751805, MONDO:0013072, OMIM 612999.

Allele frequency attached by ClinVar (database versions not stated): gnomAD 0.00001; gnomAD exomes 0.00002; TOPMed 0.00002.
gnomAD v4.1: 25 of 1,613,756 alleles (0.0015%); highest among the groups gnomAD compares: Non-Finnish European, 0.0019%; no homozygotes.

Submissions (2):

Ambry Genetics
Classification: Uncertain significance. Last evaluated: 2023-12-27. Review status: criteria provided, single submitter. Criteria: Ambry Variant Classification Scheme 2023. Collection method: clinical testing. Allele origin: germline.

Laboratorio de Genetica e Diagnostico Molecular, Hospital Israelita Albert Einstein
Classification: Uncertain significance for Emery-Dreifuss muscular dystrophy 5, autosomal dominant. Last evaluated: 2023-07-24. Review status: criteria provided, single submitter. Criteria: ACMG Guidelines, 2015. Collection method: clinical testing. Allele origin: germline. Affected: yes.
Comment: ACMG classification criteria: PM2 moderate, BP4 supporting